The following is an entry in ClinVar:

ClinVar aggregate classification (germline): Uncertain significance (1 of 4 stars; one submission).

Allele frequency attached by ClinVar (database versions not stated): TOPMed 0.00001.

Submission:

GeneDx
Classification: Uncertain significance. Last evaluated: 2022-10-20. Review status: criteria provided, single submitter. Criteria: GeneDx Variant Classification Process June 2021. Collection method: clinical testing. Allele origin: germline. Affected: yes.
Comment: Not observed at significant frequency in large population cohorts (gnomAD); In silico analysis supports that this missense variant has a deleterious effect on protein structure/function; Has not been previously published as pathogenic or benign to our knowledge

NM_001394062.1(MACF1):c.11006C>A (p.Ala3669Asp)

Gene: MACF1 (microtubule actin crosslinking factor 1; plus strand). Cytogenetic location: 1p34.3.
Variant type: single nucleotide variant.
Coding change: c.11006C>A on transcript NM_001394062.1 (MANE Select); coding-DNA position 11006, C replaced by A.
Protein change: p.Ala3669Asp; replaces alanine 3669 with aspartic acid.
Molecular consequence: missense variant.
Genome position (GRCh38, 1-based): chr1:39,350,825, C>A. VCF-style: chr1-39350825-C-A. GRCh37 (hg19) VCF-style: chr1-39816497-C-A.
Other names: c.4820C>A, p.Ala1607Asp (NM_012090.5); short protein forms A1607D, A3669D.
Identifiers: ClinVar variation 2499901 (VCV002499901.1), dbSNP rs1647162262, ClinGen allele CA339814086.